The following is an entry in ClinVar:

ClinVar aggregate classification (germline): Uncertain significance (1 of 4 stars; one submission).

Conditions:
Cardiovascular phenotype. Identifiers: MedGen CN230736.

Submission:

Ambry Genetics
Classification: Uncertain significance for Cardiovascular phenotype. Last evaluated: 2025-06-01. Review status: criteria provided, single submitter. Criteria: Ambry Variant Classification Scheme 2023. Collection method: clinical testing. Allele origin: germline.
Comment: The p.A32G variant (also known as c.95C>G), located in coding exon 1 of the FLNC gene, results from a C to G substitution at nucleotide position 95. The alanine at codon 32 is replaced by glycine, an amino acid with similar properties. This amino acid position is conserved. In addition, the in silico prediction for this alteration is inconclusive. Based on the available evidence, the clinical significance of this variant remains unclear.

NM_001458.5(FLNC):c.95C>G (p.Ala32Gly)

Gene: FLNC (filamin C; plus strand). Cytogenetic location: 7q32.1.
Variant type: single nucleotide variant.
Coding change: c.95C>G on transcript NM_001458.5 (MANE Select); coding-DNA position 95, C replaced by G.
Protein change: p.Ala32Gly; replaces alanine 32 with glycine.
Molecular consequence: missense variant.
Genome position (GRCh38, 1-based): chr7:128,830,732, C>G. VCF-style: chr7-128830732-C-G. GRCh37 (hg19) VCF-style: chr7-128470786-C-G.
Other names: c.95C>G, p.Ala32Gly (NM_001127487.2); short protein forms A32G.
Identifiers: ClinVar variation 4025641 (VCV004025641.1).